The following is an entry in ClinVar:

ClinVar aggregate classification (germline): Conflicting classifications of pathogenicity. Review status: criteria provided, conflicting classifications (1 of 4 stars). 2 submissions from 2 submitters: Uncertain significance (1); Likely benign (1). Last evaluated 2025-12-12.

Conditions:
Hereditary cancer-predisposing syndrome. Also called: Neoplastic Syndromes, Hereditary; Hereditary neoplastic syndrome; Hereditary Cancer Syndrome; Tumor predisposition. Identifiers: Orphanet 140162, MedGen C0027672, MeSH D009386, MONDO:0015356.
Neuroblastoma, susceptibility to, 3. Also called: ALK-Related Neuroblastic Tumor Susceptibility. Identifiers: Orphanet 635, MedGen C2751681, MONDO:0013083, OMIM 613014.

Submissions (2):

Ambry Genetics
Classification: Likely benign for Hereditary cancer-predisposing syndrome. Last evaluated: 2025-12-12. Review status: criteria provided, single submitter. Criteria: Ambry Variant Classification Scheme 2023. Collection method: clinical testing. Allele origin: germline.

Labcorp Genetics (formerly Invitae), Labcorp
Classification: Uncertain significance for Neuroblastoma, susceptibility to, 3. Last evaluated: 2023-10-09. Review status: criteria provided, single submitter. Criteria: Invitae Variant Classification Sherloc (09022015). Collection method: clinical testing. Allele origin: germline.
Comment: This sequence change replaces glycine, which is neutral and non-polar, with arginine, which is basic and polar, at codon 221 of the ALK protein (p.Gly221Arg). This variant is not present in population databases (gnomAD no frequency). This variant has not been reported in the literature in individuals affected with ALK-related conditions. ClinVar contains an entry for this variant (Variation ID: 948451). Algorithms developed to predict the effect of missense changes on protein structure and function output the following: SIFT: "Not Available"; PolyPhen-2: "Benign"; Align-GVGD: "Not Available". The arginine amino acid residue is found in multiple mammalian species, which suggests that this missense change does not adversely affect protein function. In summary, the available evidence is currently insufficient to determine the role of this variant in disease. Therefore, it has been classified as a Variant of Uncertain Significance.

NM_004304.5(ALK):c.661G>A (p.Gly221Arg)

Gene: ALK (ALK receptor tyrosine kinase; minus strand). Cytogenetic location: 2p23.1.
Variant type: single nucleotide variant.
Coding change: c.661G>A on transcript NM_004304.5 (MANE Select); coding-DNA position 661, G replaced by A.
Protein change: p.Gly221Arg; replaces glycine 221 with arginine.
Molecular consequence: missense variant.
Genome position (GRCh38, 1-based): chr2:29,919,999, C>T on the plus strand (G>A on the coding strand, the complement: ALK is on the minus strand). VCF-style: chr2-29919999-C-T. GRCh37 (hg19) VCF-style: chr2-30142865-C-T.
Other names: short protein forms G221R.
Identifiers: ClinVar variation 948451 (VCV000948451.10), dbSNP rs199584443, ClinGen allele CA346589589.
Genomic context (GRCh38, chr2:29,919,999, plus strand): 5'-ATCAATGTGACTAAAAACACTAAATCCCGGCACACTCAGGCGGGAGCTGCTCACCAGTCC[C>T]GAAGATCTGGAAGAGAAGGCGGGGCTGGGAGGCGCGAATTGCCGCGGACAGCCTTCCCTC-3'
Protein context (NP_004295.2, residues 211-231): SQPRLLFQIF[Gly221Arg]TGHSSLESPT